The following is an entry in ClinVar:

NM_001112704.2(VAX1):c.375G>C (p.Val125=)

Gene: VAX1 (ventral anterior homeobox 1; minus strand). Cytogenetic location: 10q25.3.
Variant type: single nucleotide variant.
Coding change: c.375G>C on transcript NM_001112704.2 (MANE Select); coding-DNA position 375, G replaced by C.
Protein change: p.Val125=; no amino-acid change (valine 125 retained).
Molecular consequence: synonymous variant.
Genome position (GRCh38, 1-based): chr10:117,136,526, C>G on the plus strand (G>C on the coding strand, the complement: VAX1 is on the minus strand). VCF-style: chr10-117136526-C-G. GRCh37 (hg19) VCF-style: chr10-118896037-C-G.
Other names: c.375G>C, p.Val125= (NM_199131.3); c.375G>C (NM_001112704.1).
Identifiers: ClinVar variation 596456 (VCV000596456.7), dbSNP rs753533789, ClinGen allele CA5709711.
Genomic context (GRCh38, chr10:117,136,526, plus strand): 5'-GGGTACCTGGGTCTCGGAGAGGTTAAGCTGCCGGGCGAGCTCGGTCCTCTCGCGGCCCAC[C>G]ACGTACTGGCAGCGCTGGAACTCCATCTCCAGCCGATAGAGCTGCTCCGCGGTGAAGGAC-3'
Protein context (NP_001106175.1, residues 115-135): LEMEFQRCQY[Val125=]VGRERTELAR

ClinVar aggregate classification (germline): Uncertain significance. Review status: criteria provided, single submitter (1 of 4 stars). 2 submissions from 2 submitters: Uncertain significance (1). 1 of the submissions does not count toward it. Last evaluated 2018-03-27.

Conditions:
VAX1-related disorder. Also called: VAX1-related condition.

Allele frequency attached by ClinVar (database versions not stated): TOPMed 0.00006.
gnomAD v4.1: 250 of 1,613,680 alleles (0.015%); highest among the groups gnomAD compares: Non-Finnish European, 0.018%; no homozygotes.

Submissions (2):

Eurofins Ntd Llc (ga)
Classification: Uncertain significance. Last evaluated: 2018-03-27. Review status: criteria provided, single submitter. Criteria: EGL ClinVar v180209 classification definitions. Collection method: clinical testing. Allele origin: germline. Observed: 1 variant allele, 1 heterozygote.

PreventionGenetics, part of Exact Sciences
Classification: Likely benign for VAX1-related condition. Last evaluated: 2021-01-05. Review status: no assertion criteria provided. Collection method: clinical testing. Allele origin: germline. Not counted in ClinVar's aggregate classification.
Comment: This variant is classified as likely benign based on ACMG/AMP sequence variant interpretation guidelines (Richards et al. 2015 PMID: 25741868, with internal and published modifications).